The following is an entry in ClinVar:

ClinVar aggregate classification (germline): Uncertain significance (1 of 4 stars; one submission).

Conditions:
Fanconi anemia (FA). Also called: Fanconi's anemia. Identifiers: Orphanet 84, MedGen C0015625, MeSH D005199, MONDO:0019391.

Allele frequency attached by ClinVar (database versions not stated): gnomAD exomes below 0.00001; ExAC 0.00001.
gnomAD v4.1: 1 of 1,613,982 alleles (0.000062%); highest among the groups gnomAD compares: South Asian, 0.0011%; no homozygotes.

Submission:

Labcorp Genetics (formerly Invitae), Labcorp
Classification: Uncertain significance for Fanconi anemia. Last evaluated: 2021-10-06. Review status: criteria provided, single submitter. Criteria: Invitae Variant Classification Sherloc (09022015). Collection method: clinical testing. Allele origin: germline.
Comment: In summary, the available evidence is currently insufficient to determine the role of this variant in disease. Therefore, it has been classified as a Variant of Uncertain Significance. Algorithms developed to predict the effect of missense changes on protein structure and function (SIFT, PolyPhen-2, Align-GVGD) all suggest that this variant is likely to be disruptive. This variant has not been reported in the literature in individuals affected with FANCC-related conditions. This variant is present in population databases (rs767634640, ExAC 0.006%). This sequence change replaces leucine with proline at codon 255 of the FANCC protein (p.Leu255Pro). The leucine residue is highly conserved and there is a moderate physicochemical difference between leucine and proline.

NM_000136.3(FANCC):c.764T>C (p.Leu255Pro)

Genes: AOPEP (aminopeptidase O (putative); plus strand), FANCC (FA complementation group C; minus strand). Cytogenetic location: 9q22.32.
Variant type: single nucleotide variant.
Coding change: c.764T>C on transcript NM_000136.3 (MANE Select); coding-DNA position 764, T replaced by C.
Protein change: p.Leu255Pro; replaces leucine 255 with proline.
Molecular consequence: missense variant.
Genome position (GRCh38, 1-based): chr9:95,135,425, A>G on the plus strand (T>C on the coding strand, the complement: FANCC is on the minus strand). VCF-style: chr9-95135425-A-G. GRCh37 (hg19) VCF-style: chr9-97897707-A-G.
Other names: c.764T>C, p.Leu255Pro (NM_001243743.2, NM_001243744.2); short protein forms L255P.
Identifiers: ClinVar variation 1384894 (VCV001384894.6), dbSNP rs767634640, ClinGen allele CA5137635.